The following is an entry in ClinVar:

ClinVar aggregate classification (germline): Pathogenic (1 of 4 stars; one submission).

Conditions:
Hereditary thrombocytopenia and hematological cancer predisposition syndrome associated with RUNX1. Also called: PLATELET DISORDER, ASPIRIN-LIKE; Familial Platelet Disorder with Propensity to Acute Myelogenous Leukemia; Familial thrombocytopenia with propensity to acute myelogenous leukemia; RUNX1 Familial Platelet Disorder with Associated Myeloid Malignancies. Identifiers: Orphanet 71290, MedGen C1832388, MeSH C563324, MONDO:0100083, OMIM 601399.

Submission:

Labcorp Genetics (formerly Invitae), Labcorp
Classification: Pathogenic for Hereditary thrombocytopenia and hematological cancer predisposition syndrome associated with RUNX1. Last evaluated: 2019-01-21. Review status: criteria provided, single submitter. Criteria: Invitae Variant Classification Sherloc (09022015). Collection method: clinical testing. Allele origin: germline.
Comment: For these reasons, this variant has been classified as Pathogenic. Loss-of-function variants in RUNX1 are known to be pathogenic (PMID: 18723428, 24100448). This variant has not been reported in the literature in individuals with RUNX1-related conditions. This variant is a gross deletion of the genomic region encompassing exons 1-8 of the RUNX1 gene, which includes the initiator codon. The 5' end of this event is unknown as it extends beyond the assayed region for this gene and therefore may encompass additional genes. The 3' boundary is likely confined to intron 8 of the RUNX1 gene. This is expected to result in an absent or disrupted protein product.

Literature cited by the submitters: PubMed 18723428; PubMed 24100448.

NC_000021.9:g.(?_34799291)_(35049298_?)del

Gene: RUNX1 (RUNX family transcription factor 1; minus strand). Cytogenetic location: 21q22.12.
Variant type: Deletion.
Identifiers: ClinVar variation 832666 (VCV000832666.5).